The following is an entry in ClinVar:

NM_000552.5(VWF):c.7559A>G (p.Gln2520Arg)

Gene: VWF (von Willebrand factor; minus strand). Cytogenetic location: 12p13.31.
Variant type: single nucleotide variant.
Coding change: c.7559A>G on transcript NM_000552.5 (MANE Select); coding-DNA position 7559, A replaced by G.
Protein change: p.Gln2520Arg; replaces glutamine 2520 with arginine.
Molecular consequence: missense variant.
Genome position (GRCh38, 1-based): chr12:5,969,381, T>C on the plus strand (A>G on the coding strand, the complement: VWF is on the minus strand). VCF-style: chr12-5969381-T-C. GRCh37 (hg19) VCF-style: chr12-6078547-T-C.
Other names: short protein forms Q2520R.
Identifiers: ClinVar variation 4533021 (VCV004533021.1).

ClinVar aggregate classification (germline): Uncertain significance (1 of 4 stars; one submission).

gnomAD v4.1: 1 of 1,614,202 alleles (0.000062%); no homozygotes.

Submission:

Quest Diagnostics Nichols Institute San Juan Capistrano
Classification: Uncertain significance. Last evaluated: 2025-01-17. Review status: criteria provided, single submitter. Criteria: Quest Diagnostics criteria. Collection method: clinical testing. Allele origin: unknown.
Comment: The VWF c.7559A>G (p.Gln2520Arg) variant has not been reported in individuals with VWF-related conditions in the published literature. It also has not been reported in large, multi-ethnic general populations (Genome Aggregation Database). Analysis of this variant using bioinformatics tools for the prediction of the effect of amino acid changes on protein structure and function yielded predictions that this variant is benign. Based on the available information, we are unable to determine the clinical significance of this variant.